The following is an entry in ClinVar:

ClinVar aggregate classification (germline): Uncertain significance (1 of 4 stars; one submission).

Submission:

Labcorp Genetics (formerly Invitae), Labcorp
Classification: Uncertain significance. Last evaluated: 2024-01-19. Review status: criteria provided, single submitter. Criteria: Invitae Variant Classification Sherloc (09022015). Collection method: clinical testing. Allele origin: germline.
Comment: This sequence change falls in intron 39 of the UNC80 gene. It does not directly change the encoded amino acid sequence of the UNC80 protein. It affects a nucleotide within the consensus splice site. This variant is not present in population databases (gnomAD no frequency). This variant has not been reported in the literature in individuals affected with UNC80-related conditions. ClinVar contains an entry for this variant (Variation ID: 2130638). Variants that disrupt the consensus splice site are a relatively common cause of aberrant splicing (PMID: 17576681, 9536098). Algorithms developed to predict the effect of sequence changes on RNA splicing suggest that this variant may disrupt the consensus splice site. In summary, the available evidence is currently insufficient to determine the role of this variant in disease. Therefore, it has been classified as a Variant of Uncertain Significance.

Literature cited by the submitters: PubMed 17576681; PubMed 9536098.

NM_001371986.1(UNC80):c.6273+3A>T

Gene: UNC80 (unc-80 subunit of NALCN channel complex; plus strand). Cytogenetic location: 2q34.
Variant type: single nucleotide variant.
Coding change: c.6273+3A>T on transcript NM_001371986.1 (MANE Select); 3 bases into the intron after coding-DNA position 6273, A replaced by T.
Molecular consequence: intron variant.
Genome position (GRCh38, 1-based): chr2:209,935,811, A>T. VCF-style: chr2-209935811-A-T. GRCh37 (hg19) VCF-style: chr2-210800535-A-T.
Other names: c.6075+3A>T (NM_032504.2); c.6060+3A>T (NM_182587.4).
Identifiers: ClinVar variation 2130638 (VCV002130638.4), dbSNP rs2471157571, ClinGen allele CA2580065516.